The following is an entry in ClinVar:

ClinVar aggregate classification (germline): Uncertain significance (1 of 4 stars; one submission).

Allele frequency attached by ClinVar (database versions not stated): ExAC 0.00001.

Submission:

Labcorp Genetics (formerly Invitae), Labcorp
Classification: Uncertain significance. Last evaluated: 2022-11-04. Review status: criteria provided, single submitter. Criteria: Invitae Variant Classification Sherloc (09022015). Collection method: clinical testing. Allele origin: germline.
Comment: In summary, the available evidence is currently insufficient to determine the role of this variant in disease. Therefore, it has been classified as a Variant of Uncertain Significance. Algorithms developed to predict the effect of missense changes on protein structure and function are either unavailable or do not agree on the potential impact of this missense change (SIFT: "Not Available"; PolyPhen-2: "Probably Damaging"; Align-GVGD: "Not Available"). This variant has not been reported in the literature in individuals affected with NTHL1-related conditions. This variant is present in population databases (rs759156239, gnomAD 0.0009%). This sequence change replaces methionine, which is neutral and non-polar, with arginine, which is basic and polar, at codon 151 of the NTHL1 protein (p.Met151Arg).

NM_002528.7(NTHL1):c.428T>G (p.Met143Arg)

Gene: NTHL1 (nth like DNA glycosylase 1; minus strand). Cytogenetic location: 16p13.3.
Variant type: single nucleotide variant.
Coding change: c.428T>G on transcript NM_002528.7 (MANE Select); coding-DNA position 428, T replaced by G.
Protein change: p.Met143Arg; replaces methionine 143 with arginine.
Molecular consequence: missense variant. On other transcripts: intron variant (1).
Genome position (GRCh38, 1-based): chr16:2,044,727, A>C on the plus strand (T>G on the coding strand, the complement: NTHL1 is on the minus strand). VCF-style: chr16-2044727-A-C. GRCh37 (hg19) VCF-style: chr16-2094728-A-C.
Other names: c.98T>G, p.Met33Arg (NM_001318194.2); c.355-1001T>G (NM_001318193.2); short protein forms M143R, M33R.
Identifiers: ClinVar variation 2812013 (VCV002812013.3), dbSNP rs759156239, ClinGen allele CA7828262.